The following is an entry in ClinVar:

NM_001197104.2(KMT2A):c.4326T>C (p.His1442=)

Gene: KMT2A (lysine methyltransferase 2A; plus strand). Cytogenetic location: 11q23.3.
Variant type: single nucleotide variant.
Coding change: c.4326T>C on transcript NM_001197104.2 (MANE Select); coding-DNA position 4326, T replaced by C.
Protein change: p.His1442=; no amino-acid change (histidine 1442 retained).
Molecular consequence: synonymous variant.
Genome position (GRCh38, 1-based): chr11:118,484,969, T>C. VCF-style: chr11-118484969-T-C. GRCh37 (hg19) VCF-style: chr11-118355684-T-C.
Other names: c.4326T>C, p.His1442= (NM_005933.4).
Identifiers: ClinVar variation 715025 (VCV000715025.30), dbSNP rs141961986, ClinGen allele CA6303831.
Genomic context (GRCh38, chr11:118,484,969, plus strand): 5'-CTTGACTTCTGTTCCTATAACACCCAGGGTGGTTTGCTTTCTCTGTGCCAGTAGTGGGCA[T>C]GTAGAGGTAAGGCATCCTGCTTCTTTGTACCCCAGGAAGTACATAAATTATTTTTCTGTG-3'
Protein context (NP_001184033.1, residues 1432-1452): VVCFLCASSG[His1442=]VEFVYCQVCC

ClinVar aggregate classification (germline): Benign/Likely benign. Review status: criteria provided, multiple submitters, no conflicts (2 of 4 stars). 6 submissions from 6 submitters: Benign (3); Likely benign (2). 1 of the submissions does not count toward it. Last evaluated 2026-01-28.

Conditions:
KMT2A-related disorder. Also called: KMT2A-related condition.
Wiedemann-Steiner syndrome (WDSTS). Also called: Growth deficiency and mental retardation with facial dysmorphism. Identifiers: Orphanet 319182, MedGen C1854630, MONDO:0011518, OMIM 605130.

Allele frequency attached by ClinVar (database versions not stated): gnomAD exomes 0.00023; ExAC 0.00039; gnomAD 0.00093; TOPMed 0.00094; ESP Exome Variant Server 0.00123; 1000 Genomes Project 30x 0.00265; 1000 Genomes Project 0.00280.
gnomAD v4.1: 276 of 1,595,134 alleles (0.017%); highest among the groups gnomAD compares: African/African-American, 0.33%; 1 homozygote.

Submissions (6):

Labcorp Genetics (formerly Invitae), Labcorp
Classification: Benign. Last evaluated: 2026-01-28. Review status: criteria provided, single submitter. Criteria: Invitae Variant Classification Sherloc (09022015). Collection method: clinical testing. Allele origin: germline.

CeGaT Center for Human Genetics Tuebingen
Classification: Likely benign. Last evaluated: 2024-08-01. Review status: criteria provided, single submitter. Criteria: CeGaT Center For Human Genetics Tuebingen Variant Classification Criteria Version 2. Collection method: clinical testing. Allele origin: germline. Affected: yes. Observed: 1 variant allele.
Comment: KMT2A: BP4, BP7, BS1

Blueprint Genetics
Classification: Benign. Last evaluated: 2023-09-20. Review status: criteria provided, single submitter. Criteria: ACMG Guidelines, 2015. Collection method: clinical testing. Allele origin: germline.

Fulgent Genetics
Classification: Likely benign for Wiedemann-Steiner syndrome. Last evaluated: 2021-09-13. Review status: criteria provided, single submitter. Criteria: ACMG Guidelines, 2015. Collection method: clinical testing. Allele origin: unknown.

GeneDx
Classification: Benign. Last evaluated: 2019-12-23. Review status: criteria provided, single submitter. Criteria: GeneDx Variant Classification Process June 2021. Collection method: clinical testing. Allele origin: germline. Affected: yes.

PreventionGenetics, part of Exact Sciences
Classification: Likely benign for KMT2A-related condition. Last evaluated: 2020-02-18. Review status: no assertion criteria provided. Collection method: clinical testing. Allele origin: germline. Not counted in ClinVar's aggregate classification.
Comment: This variant is classified as likely benign based on ACMG/AMP sequence variant interpretation guidelines (Richards et al. 2015 PMID: 25741868, with internal and published modifications).